The following is an entry in ClinVar:

ClinVar aggregate classification (germline): Pathogenic (1 of 4 stars; one submission).

Submission:

Labcorp Genetics (formerly Invitae), Labcorp
Classification: Pathogenic. Last evaluated: 2023-05-08. Review status: criteria provided, single submitter. Criteria: Invitae Variant Classification Sherloc (09022015). Collection method: clinical testing. Allele origin: unknown.
Comment: This variant is a gross deletion of the genomic region encompassing exon(s) 15-18 of the PCDH15 gene. This deletion is out-of-frame, and is expected to create a premature termination codon and result in an absent or disrupted protein product. Loss-of-function variants in PCDH15 are known to be pathogenic (PMID: 11398101, 11487575, 14570705). For these reasons, this variant has been classified as Pathogenic. This variant has not been reported in the literature in individuals affected with PCDH15-related conditions.

Literature cited by the submitters: PubMed 11398101; PubMed 11487575; PubMed 14570705.

NC_000010.10:g.(?_55826497)_(55892787_?)del

Gene: PCDH15 (protocadherin related 15; minus strand). Cytogenetic location: 10q21.1.
Variant type: Deletion.
Identifiers: ClinVar variation 3245019 (VCV003245019.1).